The following is an entry in ClinVar:

ClinVar aggregate classification (germline): Pathogenic. Review status: criteria provided, multiple submitters, no conflicts (2 of 4 stars). 13 submissions from 13 submitters: Pathogenic (11). 2 of the submissions do not count toward it. Last evaluated 2026-02-13.

Conditions:
TACR3-related disorder. Also called: TACR3-related condition.
Hypogonadotropic hypogonadism. Also called: Low gonadotropins (secondary hypogonadism); Hypogonadotrophic hypogonadism; Isolated hypogonadotropic hypogonadism; Hypogonadotropic hypogonadism with or without anosmia. Identifiers: Orphanet 432, MedGen C0271623, MONDO:0018555, HP:0000044.
Hypogonadotropic hypogonadism 11 with or without anosmia (HH11). Also called: TACR3-Related GnRH Deficiency; HYPOGONADOTROPIC HYPOGONADISM 11 WITHOUT ANOSMIA. Identifiers: Orphanet 478, MedGen C3553844, MONDO:0013913, OMIM 614840.

Allele frequency attached by ClinVar (database versions not stated): ExAC 0.00022; gnomAD exomes 0.00031; gnomAD 0.00038 and 0.00039; TOPMed 0.00038; ESP Exome Variant Server 0.00062.
gnomAD v4.1: 747 of 1,612,902 alleles (0.046%); highest among the groups gnomAD compares: Non-Finnish European, 0.06%; no homozygotes.

Submissions (13):

OLLIN Analises Genomicas, OLLIN
Classification: Pathogenic for Hypogonadotropic hypogonadism 11 with or without anosmia. Last evaluated: 2026-02-13. Review status: criteria provided, single submitter. Criteria: ACMG Guidelines 2015 PMID 25741868. Collection method: clinical testing. Allele origin: germline. Observed: 1 variant allele.
Comment: PVS1, PM2_P, PM3

NHS Central & South Genomic Laboratory Hub
Classification: Pathogenic for Hypogonadotropic hypogonadism. Last evaluated: 2025-09-25. Review status: criteria provided, single submitter. Criteria: ACMG Guidelines, 2015. Collection method: clinical testing. Allele origin: germline. Affected: yes.

Labcorp Genetics (formerly Invitae), Labcorp
Classification: Pathogenic. Last evaluated: 2025-06-29. Review status: criteria provided, single submitter. Criteria: Invitae Variant Classification Sherloc (09022015). Collection method: clinical testing. Allele origin: germline.
Comment: This sequence change creates a premature translational stop signal (p.Trp275*) in the TACR3 gene. It is expected to result in an absent or disrupted protein product. Loss-of-function variants in TACR3 are known to be pathogenic (PMID: 20194706, 20332248, 22031817). This variant is present in population databases (rs144292455, gnomAD 0.06%). This premature translational stop signal has been observed in individual(s) with idiopathic hypogonadotropic hypogonadism (PMID: 33363893). ClinVar contains an entry for this variant (Variation ID: 66084). Algorithms developed to predict the effect of sequence changes on RNA splicing suggest that this variant may disrupt the consensus splice site. For these reasons, this variant has been classified as Pathogenic.

Revvity Omics, Revvity
Classification: Pathogenic for Hypogonadotropic hypogonadism 11 with or without anosmia. Last evaluated: 2025-06-12. Review status: criteria provided, single submitter. Criteria: ACMG Guidelines, 2015. Collection method: clinical testing. Allele origin: germline.

Clinical Genetics Laboratory, Skane University Hospital Lund
Classification: Pathogenic for Hypogonadotropic hypogonadism 11 with or without anosmia. Last evaluated: 2025-05-06. Review status: criteria provided, single submitter. Criteria: ACMG Guidelines, 2015. Collection method: clinical testing. Allele origin: germline. Affected: yes.
Comment: PVS1, PM2 och PM3

Dasa
Classification: Pathogenic. Last evaluated: 2025-02-11. Review status: criteria provided, single submitter. Criteria: DASA Assertion Criteria. Collection method: clinical testing. Allele origin: germline.
Comment: NM_001059.3(TACR3):c.824G>A (p.Trp275*) introduces a premature termination codon leading to truncation of the protein. Loss-of-function is an established mechanism of disease for this gene. The variant has been reported in individuals with hypogonadotropic hypogonadism, including observations in trans with another pathogenic variant (PMID: 20332248, 21300340). It is present at low frequency in population datasets. Based on the available data, this variant is classified as pathogenic.

Blueprint Genetics
Classification: Pathogenic for TACR3-related disorders. Last evaluated: 2024-11-08. Review status: criteria provided, single submitter. Criteria: ACMG Guidelines, 2015. Collection method: clinical testing. Allele origin: germline. Affected: yes. Observed: 5 variant alleles.

GeneDx
Classification: Pathogenic. Last evaluated: 2022-06-06. Review status: criteria provided, single submitter. Criteria: GeneDx Variant Classification Process June 2021. Collection method: clinical testing. Allele origin: germline. Affected: yes.
Comment: Nonsense variant predicted to result in protein truncation or nonsense mediated decay in a gene for which loss-of-function is a known mechanism of disease; This variant is associated with the following publications: (PMID: 29419413, 29886503, 31200363, 23643382, 21300340, 25525159, 26207952, 28436984, 30665703, 23329188, 30450471, 20332248, 26792935, 26239645, 22035731, 31980526, 34426522, 33363893, 31589614, 34055685, 22031817)

Genetic Services Laboratory, University of Chicago
Classification: Pathogenic. Last evaluated: 2019-03-29. Review status: criteria provided, single submitter. Criteria: ACMG Guidelines, 2015. Collection method: clinical testing. Allele origin: germline. Affected: yes.
Comment: DNA sequence analysis of the TACR3 gene demonstrated an apparently homozygous sequence change, c.824G>A, which results in the creation of a premature stop codon at amino acid position 275, p.Trp275*. This pathogenic sequence change is predicted to result in an abnormal transcript, which may be degraded, or may lead to the production of a truncated TACR3 protein with potentially abnormal function. This sequence change has been previously described in male patients with normosmic idiopathic hypogonadotropic hypogonadism in both homozygous and compound heterozygous state (Francou et al., 2011 and Gianetti et al., 2010). This sequence change has been described in the gnomAD database with a population frequency of 0.032% (rs144292455).

Eurofins Ntd Llc (ga)
Classification: Pathogenic. Last evaluated: 2018-01-25. Review status: criteria provided, single submitter. Criteria: EGL Classification Definitions 2015. Collection method: clinical testing. Allele origin: germline. Observed: 2 variant alleles, 2 heterozygotes.

Illumina Laboratory Services, Illumina
Classification: Pathogenic for Hypogonadotropic hypogonadism 11 with or without anosmia. Last evaluated: 2017-04-27. Review status: criteria provided, single submitter. Criteria: ICSL Variant Classification Criteria 09 May 2019. Collection method: clinical testing. Allele origin: germline.
Comment: The TACR3 c.824G>A (p.Trp275Ter) variant is a stop-gained variant reported in four studies in which it is found in a total of 13 individuals with isolated gonadotropin-releasing hormone (GnRH) deficiency, including in three homozygotes, in three compound heterozygotes, in five heterozygotes, and in two individuals showing digenic inheritance (Gianetti et al. 2010; Quaynor et al. 2011; Xu et al. 2011; Francou et al. 2011). The variant was absent from over 800 controls, but is reported at a frequency of 0.00093 in the European American population of the Exome Sequencing Project. Based on the potential impact of stop-gained variants and the evidence from the literature, the p.Trp275Ter variant is classified as pathogenic for isolated GnRH deficiency. This variant was observed by ICSL as part of a predisposition screen in an ostensibly healthy population.

PreventionGenetics, part of Exact Sciences
Classification: Pathogenic for TACR3-related condition. Last evaluated: 2024-06-22. Review status: no assertion criteria provided. Collection method: clinical testing. Allele origin: germline. Not counted in ClinVar's aggregate classification.
Comment: The TACR3 c.824G>A variant is predicted to result in premature protein termination (p.Trp275*). This variant has been reported in the compound heterozygous and homozygous states, as well as in combination with variants in other genes, to be causative for hypogonadotropic hypogonadism (see for example - Gianetti et al. 2010. PubMed ID: 20332248; Xu et al. 2011. PubMed ID: 21300340). This variant is reported in 0.065% of alleles in individuals of European (Non-Finnish) descent in gnomAD. Nonsense variants in TACR3 are expected to be pathogenic. This variant is interpreted as pathogenic.

OMIM
Classification: Pathogenic for HYPOGONADOTROPIC HYPOGONADISM 11 WITHOUT ANOSMIA. Last evaluated: 2010-06-01. Review status: no assertion criteria provided. Collection method: literature only. Allele origin: germline. Not counted in ClinVar's aggregate classification.

Literature cited by the submitters: PubMed 20194706 (cited by Labcorp Genetics (formerly Invitae), Labcorp); PubMed 20332248 (cited by 5 submitters); PubMed 22031817 (cited by Labcorp Genetics (formerly Invitae), Labcorp and Illumina Laboratory Services, Illumina); PubMed 33363893 (cited by Labcorp Genetics (formerly Invitae), Labcorp); PubMed 21300340 (cited by Dasa and Illumina Laboratory Services, Illumina); PubMed 22035731 (cited by Illumina Laboratory Services, Illumina).

NM_001059.3(TACR3):c.824G>A (p.Trp275Ter)

Gene: TACR3 (tachykinin receptor 3; minus strand). Cytogenetic location: 4q24.
Variant type: single nucleotide variant.
Coding change: c.824G>A on transcript NM_001059.3 (MANE Select); coding-DNA position 824, G replaced by A.
Protein change: p.Trp275Ter; replaces tryptophan 275 with a stop codon.
Molecular consequence: nonsense.
Genome position (GRCh38, 1-based): chr4:103,656,258, C>T on the plus strand (G>A on the coding strand, the complement: TACR3 is on the minus strand). VCF-style: chr4-103656258-C-T. GRCh37 (hg19) VCF-style: chr4-104577415-C-T.
Other names: short protein forms W275*.
Identifiers: ClinVar variation 66084 (VCV000066084.30), dbSNP rs144292455, ClinGen allele CA144871.